The following is an entry in ClinVar:

ClinVar aggregate classification (germline): Uncertain significance (1 of 4 stars; one submission).

Submission:

Labcorp Genetics (formerly Invitae), Labcorp
Classification: Uncertain significance. Last evaluated: 2022-09-24. Review status: criteria provided, single submitter. Criteria: Invitae Variant Classification Sherloc (09022015). Collection method: clinical testing. Allele origin: germline.
Comment: Experimental studies and prediction algorithms are not available or were not evaluated, and the functional significance of this variant is currently unknown. This variant, c.116_124dup, results in the insertion of 3 amino acid(s) of the ATP6AP1 protein (p.Ala39_Ala41dup), but otherwise preserves the integrity of the reading frame. This variant is not present in population databases (gnomAD no frequency). This variant has not been reported in the literature in individuals affected with ATP6AP1-related conditions. In summary, the available evidence is currently insufficient to determine the role of this variant in disease. Therefore, it has been classified as a Variant of Uncertain Significance.

NM_001183.6(ATP6AP1):c.116_124dup (p.Ala41_Glu42insAlaAlaAla)

Gene: ATP6AP1 (ATPase H+ transporting accessory protein 1; plus strand). Cytogenetic location: Xq28.
Variant type: Duplication.
Coding change: c.116_124dup on transcript NM_001183.6 (MANE Select); coding-DNA positions 116 to 124, 9 bases duplicated (CAGCGGCGG; older notation c.116_124dupCAGCGGCGG).
Protein change: p.Ala41_Glu42insAlaAlaAla.
Molecular consequence: inframe insertion.
Genome position (GRCh38, 1-based): chrX:154,428,808-154,428,816, CAGCGGCGG duplicated; duplicating any 9 consecutive bases within chrX:154,428,801-154,428,816 gives the same sequence; the c. name uses the placement nearest the transcript's 3' end. VCF-style (leftmost placement, unchanged base first): chrX-154428800-G-GGCGGCGGCA. GRCh37 (hg19) VCF-style: chrX-153657146-G-GGCGGCGGCA.
Identifiers: ClinVar variation 1934041 (VCV001934041.5), dbSNP rs1446432947, ClinGen allele CA645291020.